The following is an entry in ClinVar:

ClinVar aggregate classification (germline): Uncertain significance (1 of 4 stars; one submission).

gnomAD v4.1: 1 of 1,614,124 alleles (0.000062%); highest among the groups gnomAD compares: Middle Eastern, 0.016%; no homozygotes.

Submission:

GeneDx
Classification: Uncertain significance. Last evaluated: 2024-08-01. Review status: criteria provided, single submitter. Criteria: GeneDx Variant Classification Process June 2021. Collection method: clinical testing. Allele origin: germline. Affected: yes.
Comment: Not observed at significant frequency in large population cohorts (gnomAD); In silico analysis supports that this missense variant has a deleterious effect on protein structure/function; Has not been previously published as pathogenic or benign to our knowledge

NM_005559.4(LAMA1):c.1330G>A (p.Gly444Ser)

Gene: LAMA1 (laminin subunit alpha 1; minus strand). Cytogenetic location: 18p11.31.
Variant type: single nucleotide variant.
Coding change: c.1330G>A on transcript NM_005559.4 (MANE Select); coding-DNA position 1330, G replaced by A.
Protein change: p.Gly444Ser; replaces glycine 444 with serine.
Molecular consequence: missense variant.
Genome position (GRCh38, 1-based): chr18:7,040,168, C>T on the plus strand (G>A on the coding strand, the complement: LAMA1 is on the minus strand). VCF-style: chr18-7040168-C-T. GRCh37 (hg19) VCF-style: chr18-7040167-C-T.
Other names: short protein forms G444S.
Identifiers: ClinVar variation 3602135 (VCV003602135.1).